The following is an entry in ClinVar:

ClinVar aggregate classification (germline): Uncertain significance (1 of 4 stars; one submission).

Conditions:
Cardiac arrhythmia. Also called: Arrhythmia; Cardiac rhythm disease. Identifiers: MedGen C0003811, MONDO:0007263, HP:0011675.

gnomAD v4.1: 1 of 1,614,204 alleles (0.000062%); highest among the groups gnomAD compares: Non-Finnish European, 0.000085%; no homozygotes.

Submission:

Color Diagnostics, LLC DBA Color Health
Classification: Uncertain significance for Cardiac arrhythmia. Last evaluated: 2025-08-22. Review status: criteria provided, single submitter. Criteria: ACMG Guidelines, 2015. Collection method: clinical testing. Allele origin: germline.
Comment: This missense variant replaces leucine with arginine at codon 471 of the KCNQ1 protein. Computational prediction is inconclusive regarding the impact of this variant on protein structure and function. To our knowledge, functional studies have not been reported for this variant. This variant has not been reported in individuals affected with KCNQ1-related disorders in the literature. This variant has not been identified in the general population by the Genome Aggregation Database (gnomAD). The available evidence is insufficient to determine the role of this variant in disease conclusively. Therefore, this variant is classified as a Variant of Uncertain Significance.

NM_000218.3(KCNQ1):c.1412T>G (p.Leu471Arg)

Genes: KCNQ1 (potassium voltage-gated channel subfamily Q member 1; plus strand), KCNQ1OT1 (KCNQ1 opposite strand/antisense transcript 1; minus strand). Cytogenetic location: 11p15.5.
Variant type: single nucleotide variant.
Coding change: c.1412T>G on transcript NM_000218.3 (MANE Select); coding-DNA position 1412, T replaced by G.
Protein change: p.Leu471Arg; replaces leucine 471 with arginine.
Molecular consequence: missense variant. On other transcripts: non-coding transcript variant (1).
Genome position (GRCh38, 1-based): chr11:2,661,979, T>G. VCF-style: chr11-2661979-T-G. GRCh37 (hg19) VCF-style: chr11-2683209-T-G.
Other names: c.1316T>G, p.Leu439Arg (NM_001406836.1); c.1142T>G, p.Leu381Arg (NM_001406837.1); c.872T>G, p.Leu291Arg (NM_001406838.1); c.1031T>G, p.Leu344Arg (NM_181798.2); short protein forms L291R, L344R, L381R, L439R, L471R.
Identifiers: ClinVar variation 4756236 (VCV004756236.1).
Genomic context (GRCh38, chr11:2,661,979, plus strand): 5'-GGGTGGGAGGCCTAACGTGCTGTCCCCACACTTTCTCCTCAGTAAGGAAGAGCCCAACAC[T>G]GCTGGAAGTGAGCATGCCCCATTTCATGAGAACCAACAGCTTCGCCGAGGACCTGGACCT-3'
Protein context (NP_000209.2, residues 461-481): YDSSVRKSPT[Leu471Arg]LEVSMPHFMR